The following is an entry in ClinVar:

ClinVar aggregate classification (germline): Uncertain significance (1 of 4 stars; one submission).

gnomAD v4.1: 1 of 1,614,142 alleles (0.000062%); highest among the groups gnomAD compares: Non-Finnish European, 0.000085%; no homozygotes.

Submission:

Dasa
Classification: Uncertain significance. Last evaluated: 2025-04-18. Review status: criteria provided, single submitter. Criteria: DASA Assertion Criteria. Collection method: clinical testing. Allele origin: germline.
Comment: NM_014712.3(SETD1A):c.791C>T (p.Thr264Ile) is a missense variant that results in the substitution of threonine with isoleucine. This variant is rare in population databases. The currently available literature and clinical evidence are not sufficient to establish a definitive association between this variant and the reported condition. Therefore, this variant is classified as a variant of uncertain significance.

NM_014712.3(SETD1A):c.791C>T (p.Thr264Ile)

Gene: SETD1A (SET domain containing 1A, histone lysine methyltransferase; plus strand). Cytogenetic location: 16p11.2.
Variant type: single nucleotide variant.
Coding change: c.791C>T on transcript NM_014712.3 (MANE Select); coding-DNA position 791, C replaced by T.
Protein change: p.Thr264Ile; replaces threonine 264 with isoleucine.
Molecular consequence: missense variant.
Genome position (GRCh38, 1-based): chr16:30,964,245, C>T. VCF-style: chr16-30964245-C-T. GRCh37 (hg19) VCF-style: chr16-30975566-C-T.
Other names: short protein forms T264I.
Identifiers: ClinVar variation 5020969 (VCV005020969.1).
Genomic context (GRCh38, chr16:30,964,245, plus strand): 5'-CCCAGGACACAAGCTTCTCCAGCAGCCGACAAGATACCCCATCTTCCTTTGGCCAGTTCA[C>T]ACCTCAGTCCTCCCAAGGAACCCCCTACACGTCTCGGGGCAGCACCCCCTACTCTCAGGA-3'
Protein context (NP_055527.1, residues 254-274): QDTPSSFGQF[Thr264Ile]PQSSQGTPYT